The following is an entry in ClinVar:

NM_020693.4(DSCAML1):c.5764G>A (p.Val1922Met)

Gene: DSCAML1 (DS cell adhesion molecule like 1; minus strand). Cytogenetic location: 11q23.3.
Variant type: single nucleotide variant.
Coding change: c.5764G>A on transcript NM_020693.4 (MANE Select); coding-DNA position 5764, G replaced by A.
Protein change: p.Val1922Met; replaces valine 1922 with methionine.
Molecular consequence: missense variant.
Genome position (GRCh38, 1-based): chr11:117,428,726, C>T on the plus strand (G>A on the coding strand, the complement: DSCAML1 is on the minus strand). VCF-style: chr11-117428726-C-T. GRCh37 (hg19) VCF-style: chr11-117299442-C-T.
Other names: c.5944G>A (NM_020693.2); short protein forms V1922M.
Identifiers: ClinVar variation 1485736 (VCV001485736.7), dbSNP rs375677675, ClinGen allele CA6295974.

ClinVar aggregate classification (germline): Uncertain significance. Review status: criteria provided, multiple submitters, no conflicts (2 of 4 stars). 2 submissions from 2 submitters: Uncertain significance (2). Last evaluated 2025-01-07.

Allele frequency attached by ClinVar (database versions not stated): gnomAD exomes 0.00006; ExAC 0.00007; gnomAD 0.00007 and 0.00010; ESP Exome Variant Server 0.00008; TOPMed 0.00012.
gnomAD v4.1: 97 of 1,612,964 alleles (0.006%); highest among the groups gnomAD compares: African/African-American, 0.02%; no homozygotes.

Submissions (2):

Labcorp Genetics (formerly Invitae), Labcorp
Classification: Uncertain significance. Last evaluated: 2025-01-07. Review status: criteria provided, single submitter. Criteria: Invitae Variant Classification Sherloc (09022015). Collection method: clinical testing. Allele origin: germline.
Comment: This sequence change replaces valine, which is neutral and non-polar, with methionine, which is neutral and non-polar, at codon 1982 of the DSCAML1 protein (p.Val1982Met). This variant is present in population databases (rs375677675, gnomAD 0.03%). This variant has not been reported in the literature in individuals affected with DSCAML1-related conditions. ClinVar contains an entry for this variant (Variation ID: 1485736). An algorithm developed to predict the effect of missense changes on protein structure and function (PolyPhen-2) suggests that this variant is likely to be disruptive. In summary, the available evidence is currently insufficient to determine the role of this variant in disease. Therefore, it has been classified as a Variant of Uncertain Significance.

Ambry Genetics
Classification: Uncertain significance. Last evaluated: 2023-12-27. Review status: criteria provided, single submitter. Criteria: Ambry Variant Classification Scheme 2023. Collection method: clinical testing. Allele origin: germline.